The following is an entry in ClinVar:

ClinVar aggregate classification (germline): Uncertain significance (1 of 4 stars; one submission).

Conditions:
Familial cancer of breast. Also called: BREAST CANCER, FAMILIAL; Hereditary breast cancer; hereditary breast carcinoma. Identifiers: Orphanet 227535, MedGen C0346153, MONDO:0016419, OMIM 114480. Disease mechanism: loss of function.

Submission:

Labcorp Genetics (formerly Invitae), Labcorp
Classification: Uncertain significance for Familial cancer of breast. Last evaluated: 2023-12-11. Review status: criteria provided, single submitter. Criteria: Invitae Variant Classification Sherloc (09022015). Collection method: clinical testing. Allele origin: germline.
Comment: This sequence change replaces threonine, which is neutral and polar, with isoleucine, which is neutral and non-polar, at codon 351 of the PALB2 protein (p.Thr351Ile). This variant is not present in population databases (gnomAD no frequency). This variant has not been reported in the literature in individuals affected with PALB2-related conditions. ClinVar contains an entry for this variant (Variation ID: 460872). Advanced modeling of protein sequence and biophysical properties (such as structural, functional, and spatial information, amino acid conservation, physicochemical variation, residue mobility, and thermodynamic stability) performed at Invitae indicates that this missense variant is not expected to disrupt PALB2 protein function with a negative predictive value of 80%. In summary, the available evidence is currently insufficient to determine the role of this variant in disease. Therefore, it has been classified as a Variant of Uncertain Significance.

NM_024675.4(PALB2):c.1052C>T (p.Thr351Ile)

Gene: PALB2 (partner and localizer of BRCA2; minus strand). Cytogenetic location: 16p12.2.
Variant type: single nucleotide variant.
Coding change: c.1052C>T on transcript NM_024675.4 (MANE Select); coding-DNA position 1052, C replaced by T.
Protein change: p.Thr351Ile; replaces threonine 351 with isoleucine.
Molecular consequence: missense variant.
Genome position (GRCh38, 1-based): chr16:23,635,494, G>A on the plus strand (C>T on the coding strand, the complement: PALB2 is on the minus strand). VCF-style: chr16-23635494-G-A. GRCh37 (hg19) VCF-style: chr16-23646815-G-A.
Other names: short protein forms T351I.
Identifiers: ClinVar variation 460872 (VCV000460872.7), dbSNP rs876658656, ClinGen allele CA395134138.